The following is an entry in ClinVar:

NM_016247.4(IMPG2):c.533+1G>A

Gene: IMPG2 (interphotoreceptor matrix proteoglycan 2; minus strand). Cytogenetic location: 3q12.3.
Variant type: single nucleotide variant.
Coding change: c.533+1G>A on transcript NM_016247.4 (MANE Select); the canonical splice donor site of the intron after coding-DNA position 533, G replaced by A.
Molecular consequence: splice donor variant.
Genome position (GRCh38, 1-based): chr3:101,291,478, C>T on the plus strand (G>A on the coding strand, the complement: IMPG2 is on the minus strand). VCF-style: chr3-101291478-C-T. GRCh37 (hg19) VCF-style: chr3-101010322-C-T.
Identifiers: ClinVar variation 2861357 (VCV002861357.3), dbSNP rs2509022419, ClinGen allele CA353846674.

ClinVar aggregate classification (germline): Likely pathogenic (1 of 4 stars; one submission).

Allele frequency attached by ClinVar (database versions not stated): gnomAD exomes below 0.00001.
gnomAD v4.1: 2 of 1,613,038 alleles (0.00012%); highest among the groups gnomAD compares: Non-Finnish European, 0.00017%; no homozygotes.

Submission:

Labcorp Genetics (formerly Invitae), Labcorp
Classification: Likely pathogenic. Last evaluated: 2023-05-20. Review status: criteria provided, single submitter. Criteria: Invitae Variant Classification Sherloc (09022015). Collection method: clinical testing. Allele origin: germline.
Comment: In summary, the currently available evidence indicates that the variant is pathogenic, but additional data are needed to prove that conclusively. Therefore, this variant has been classified as Likely Pathogenic. Algorithms developed to predict the effect of sequence changes on RNA splicing suggest that this variant may disrupt the consensus splice site. Disruption of this splice site has been observed in individual(s) with clinical features of IMPG2-related conditions (Invitae). This variant is not present in population databases (gnomAD no frequency). This sequence change affects a donor splice site in intron 4 of the IMPG2 gene. It is expected to disrupt RNA splicing. Variants that disrupt the donor or acceptor splice site typically lead to a loss of protein function (PMID: 16199547), and loss-of-function variants in IMPG2 are known to be pathogenic (PMID: 20673862).

Literature cited by the submitters: PubMed 16199547; PubMed 20673862.